The following is an entry in ClinVar:

NM_005591.4(MRE11):c.538G>A (p.Gly180Ser)

Gene: MRE11 (MRE11 double strand break repair nuclease; minus strand). Cytogenetic location: 11q21.
Variant type: single nucleotide variant.
Coding change: c.538G>A on transcript NM_005591.4 (MANE Select); coding-DNA position 538, G replaced by A.
Protein change: p.Gly180Ser; replaces glycine 180 with serine.
Molecular consequence: missense variant. On other transcripts: intron variant (3).
Genome position (GRCh38, 1-based): chr11:94,478,741, C>T on the plus strand (G>A on the coding strand, the complement: MRE11 is on the minus strand). VCF-style: chr11-94478741-C-T. GRCh37 (hg19) VCF-style: chr11-94211907-C-T.
Other names: c.538G>A, p.Gly180Ser (NM_001330347.2, NM_001440460.1, NM_001440461.1 and 18 more transcripts); c.463G>A, p.Gly155Ser (NM_001440471.1, NM_001440472.1, NM_001440479.1); c.70G>A, p.Gly24Ser (NM_001440485.1, NM_001440486.1, NM_001440487.1); c.315-6982G>A (NM_001440483.1, NM_001440484.1, NM_001440482.1); short protein forms G180S, G155S, G24S.
Identifiers: ClinVar variation 4651015 (VCV004651015.1).
Genomic context (GRCh38, chr11:94,478,741, plus strand): 5'-CAATTGTTTAAAGAATCACACATGGACATAAACAGTAAAATAAAACTGTCTTACCTAAAC[C>T]ATATAGCGCAATCTTTGTGCTTCCTTTTTGAAGCAAAACCGGACTAATGTCTATCTTCTC-3'
Protein context (NP_005582.1, residues 170-190): QKGSTKIALY[Gly180Ser]LGSIPDERLY

ClinVar aggregate classification (germline): Uncertain significance (1 of 4 stars; one submission).

Conditions:
Hereditary cancer-predisposing syndrome. Also called: Neoplastic Syndromes, Hereditary; Tumor predisposition; Hereditary Cancer Syndrome; Hereditary neoplastic syndrome. Identifiers: Orphanet 140162, MedGen C0027672, MeSH D009386, MONDO:0015356.

gnomAD v4.1: 2 of 1,612,394 alleles (0.00012%); highest among the groups gnomAD compares: Non-Finnish European, 0.00017%; no homozygotes.

Submission:

Ambry Genetics
Classification: Uncertain significance for Hereditary cancer-predisposing syndrome. Last evaluated: 2025-09-28. Review status: criteria provided, single submitter. Criteria: Ambry Variant Classification Scheme 2023. Collection method: clinical testing. Allele origin: germline.
Comment: The p.G180S variant (also known as c.538G>A), located in coding exon 5 of the MRE11A gene, results from a G to A substitution at nucleotide position 538. The glycine at codon 180 is replaced by serine, an amino acid with similar properties. This amino acid position is conserved. In addition, this alteration is predicted to be deleterious by in silico analysis. Based on the available evidence, the clinical significance of this variant remains unclear.